The following is an entry in ClinVar:

NM_004304.5(ALK):c.1756G>A (p.Ala586Thr)

Gene: ALK (ALK receptor tyrosine kinase; minus strand). Cytogenetic location: 2p23.2.
Variant type: single nucleotide variant.
Coding change: c.1756G>A on transcript NM_004304.5 (MANE Select); coding-DNA position 1756, G replaced by A.
Protein change: p.Ala586Thr; replaces alanine 586 with threonine.
Molecular consequence: missense variant.
Genome position (GRCh38, 1-based): chr2:29,296,949, C>T on the plus strand (G>A on the coding strand, the complement: ALK is on the minus strand). VCF-style: chr2-29296949-C-T. GRCh37 (hg19) VCF-style: chr2-29519815-C-T.
Other names: short protein forms A586T.
Identifiers: ClinVar variation 470772 (VCV000470772.11), dbSNP rs75158395, ClinGen allele CA1594541.

ClinVar aggregate classification (germline): Conflicting classifications of pathogenicity. Review status: criteria provided, conflicting classifications (1 of 4 stars). 3 submissions from 3 submitters: Uncertain significance (2); Likely benign (1). Last evaluated 2025-12-08.

Conditions:
Hereditary cancer-predisposing syndrome. Also called: Hereditary neoplastic syndrome; Neoplastic Syndromes, Hereditary; Tumor predisposition; Hereditary Cancer Syndrome. Identifiers: Orphanet 140162, MedGen C0027672, MeSH D009386, MONDO:0015356.
Neuroblastoma, susceptibility to, 3. Also called: ALK-Related Neuroblastic Tumor Susceptibility. Identifiers: Orphanet 635, MedGen C2751681, MONDO:0013083, OMIM 613014.

Allele frequency attached by ClinVar (database versions not stated): ExAC 0.00001; gnomAD 0.00001; TOPMed 0.00002; ESP Exome Variant Server 0.00008.
gnomAD v4.1: 15 of 1,614,056 alleles (0.00093%); highest among the groups gnomAD compares: African/African-American, 0.008%; 1 homozygote.

Submissions (3):

Labcorp Genetics (formerly Invitae), Labcorp
Classification: Uncertain significance for Neuroblastoma, susceptibility to, 3. Last evaluated: 2025-12-08. Review status: criteria provided, single submitter. Criteria: Invitae Variant Classification Sherloc (09022015). Collection method: clinical testing. Allele origin: germline.
Comment: This sequence change replaces alanine, which is neutral and non-polar, with threonine, which is neutral and polar, at codon 586 of the ALK protein (p.Ala586Thr). This variant is present in population databases (rs75158395, gnomAD 0.01%). This variant has not been reported in the literature in individuals affected with ALK-related conditions. ClinVar contains an entry for this variant (Variation ID: 470772). An algorithm developed to predict the effect of missense changes on protein structure and function outputs the following: PolyPhen-2: "Benign". The threonine amino acid residue is found in multiple mammalian species, which suggests that this missense change does not adversely affect protein function. In summary, the available evidence is currently insufficient to determine the role of this variant in disease. Therefore, it has been classified as a Variant of Uncertain Significance.

GeneDx
Classification: Uncertain significance. Last evaluated: 2024-04-18. Review status: criteria provided, single submitter. Criteria: GeneDx Variant Classification Process June 2021. Collection method: clinical testing. Allele origin: germline. Affected: yes.
Comment: Not observed at significant frequency in large population cohorts (gnomAD); In silico analysis indicates that this missense variant does not alter protein structure/function; Has not been previously published as pathogenic or benign to our knowledge

Ambry Genetics
Classification: Likely benign for Hereditary cancer-predisposing syndrome. Last evaluated: 2023-11-17. Review status: criteria provided, single submitter. Criteria: Ambry Variant Classification Scheme 2023. Collection method: clinical testing. Allele origin: germline.